The following continues an entry in ClinVar:

NM_014324.6(AMACR):c.154T>C (p.Ser52Pro)

ClinVar aggregate classification (germline): Pathogenic/Likely pathogenic. Pathogenic (11); Likely pathogenic (3).

Submissions 12 to 16 of 16:

Ambry Genetics
Classification: Pathogenic for Inborn genetic diseases. Last evaluated: 2021-05-25. Review status: criteria provided, single submitter. Criteria: Ambry Variant Classification Scheme 2023. Collection method: clinical testing. Allele origin: germline.
Comment: The c.154T>C (p.S52P) alteration is located in exon 1 (coding exon 1) of the AMACR gene. This alteration results from a T to C substitution at nucleotide position 154, causing the serine (S) at amino acid position 52 to be replaced by a proline (P). Based on data from the Genome Aggregation Database (gnomAD) database, the AMACR c.154T>C alteration was observed in 0.04% (79/223800) of total alleles studied, with a frequency of 0.07% (68/95942) in the European (non-Finnish) subpopulation. This mutation has been reported in the homozygous state in multiple unrelated patients with clinical and biochemical features of alpha-methylacyl-CoA racemase deficiency (Ferdinandusse, 2000; Clarke, 2004; Thompson, 2009; Smith, 2010; Dick, 2011; Theunissen, 2018). This amino acid position is highly conserved in available vertebrate species. Patient fibroblasts showed absent AMACR activity and in vitro functional studies demonstrated that the p.S52P mutation results in an inactive protein (Ferdinandusse, 2000). The p.S52P alteration is predicted to be deleterious by in silico analysis. Based on the available evidence, this alteration is classified as pathogenic.

Eurofins Ntd Llc (ga)
Classification: Pathogenic. Last evaluated: 2018-06-15. Review status: criteria provided, single submitter. Criteria: EGL ClinVar v180209 classification definitions. Collection method: clinical testing. Allele origin: germline. Observed: 1 variant allele, 1 heterozygote.

Illumina Laboratory Services, Illumina
Classification: Pathogenic for Alpha-methylacyl-CoA racemase deficiency. Last evaluated: 2017-09-25. Review status: criteria provided, single submitter. Criteria: ICSL Variant Classification Criteria 09 May 2019. Collection method: clinical testing. Allele origin: germline.
Comment: The AMACR c.154T>C (p.Ser52Pro) missense variant has been reported in a homozygous state in seven unrelated patients with alpha-methylacyl-CoA racemase deficiency, including six with adolescent or adult-onset symptoms and one infant with a severe congenital bile synthesis defect (Ferdinandusse et al. 2000; Setchell et. at. 2003; Clarke et al. 2004; Thompson et al. 2008; Smith et al. 2010; Dick et al. 2011). Four of these patients demonstrated absence of AMACR activity in cultured skin fibroblasts (Ferdinandusse et al. 2000; Clark et al. 2004; Thompson et al. 2008). The p.Ser52Pro variant was absent from 114 control alleles but is reported at a frequency of 0.001343 in the African population of the Exome Aggregation Consortium. The recombinant p.Ser52Pro variant protein expressed in E.coli was inactive (Ferdinandusse et al. 2000). Based on the evidence, the p.Ser52Pro variant is classified as pathogenic for alpha-methylacyl-CoA racemase deficiency. This variant was observed by ICSL as part of a predisposition screen in an ostensibly healthy population.

OMIM
Classification: Pathogenic for ALPHA-METHYLACYL-CoA RACEMASE DEFICIENCY. Last evaluated: 2011-05-17. Review status: no assertion criteria provided. Collection method: literature only. Allele origin: germline. Not counted in ClinVar's aggregate classification.

OMIM
Classification: Pathogenic for BILE ACID SYNTHESIS DEFECT, CONGENITAL, 4. Last evaluated: 2011-05-17. Review status: no assertion criteria provided. Collection method: literature only. Allele origin: germline. Not counted in ClinVar's aggregate classification.

Literature cited by the submitters: PubMed 10655068 (cited by 8 submitters); PubMed 20821052 (cited by 7 submitters); PubMed 21576695 (cited by 7 submitters); PubMed 21686617 (cited by 3 submitters); PubMed 30369941 (cited by 3 submitters); PubMed 35641312 (cited by Women's Health and Genetics/Laboratory Corporation of America, LabCorp and Mayo Clinic Laboratories, Mayo Clinic); PubMed 33047465 (cited by Mayo Clinic Laboratories, Mayo Clinic); PubMed 34732400 (cited by Mayo Clinic Laboratories, Mayo Clinic); PubMed 38219857 (cited by Mayo Clinic Laboratories, Mayo Clinic); PubMed 15249642 (cited by 5 submitters); PubMed 12512044 (cited by 4 submitters); PubMed 18032455 (cited by 4 submitters).